The following is an entry in ClinVar:

NM_014806.5(RUSC2):c.3628C>T (p.Arg1210Trp)

Gene: RUSC2 (RUN and SH3 domain containing 2; plus strand). Cytogenetic location: 9p13.3.
Variant type: single nucleotide variant.
Coding change: c.3628C>T on transcript NM_014806.5 (MANE Select); coding-DNA position 3628, C replaced by T.
Protein change: p.Arg1210Trp; replaces arginine 1210 with tryptophan.
Molecular consequence: missense variant. On other transcripts: non-coding transcript variant (1).
Genome position (GRCh38, 1-based): chr9:35,560,268, C>T. VCF-style: chr9-35560268-C-T. GRCh37 (hg19) VCF-style: chr9-35560265-C-T.
Other names: c.3628C>T, p.Arg1210Trp (NM_001135999.2); c.994C>T, p.Arg332Trp (NM_001330740.2); short protein forms R332W, R1210W.
Identifiers: ClinVar variation 1385842 (VCV001385842.3), dbSNP rs777707900, ClinGen allele CA5044204.

ClinVar aggregate classification (germline): Uncertain significance (1 of 4 stars; one submission).

Allele frequency attached by ClinVar (database versions not stated): gnomAD 0.00001; gnomAD exomes 0.00001 and 0.00003; TOPMed 0.00001; ExAC 0.00002.
gnomAD v4.1: 14 of 1,586,756 alleles (0.00088%); highest among the groups gnomAD compares: Admixed American, 0.0052%; no homozygotes.

Submission:

Labcorp Genetics (formerly Invitae), Labcorp
Classification: Uncertain significance. Last evaluated: 2022-08-15. Review status: criteria provided, single submitter. Criteria: Invitae Variant Classification Sherloc (09022015). Collection method: clinical testing. Allele origin: germline.
Comment: This sequence change replaces arginine, which is basic and polar, with tryptophan, which is neutral and slightly polar, at codon 1210 of the RUSC2 protein (p.Arg1210Trp). This variant is present in population databases (rs777707900, gnomAD 0.006%). This variant has not been reported in the literature in individuals affected with RUSC2-related conditions. ClinVar contains an entry for this variant (Variation ID: 1385842). Algorithms developed to predict the effect of missense changes on protein structure and function (SIFT, PolyPhen-2, Align-GVGD) all suggest that this variant is likely to be disruptive. In summary, the available evidence is currently insufficient to determine the role of this variant in disease. Therefore, it has been classified as a Variant of Uncertain Significance.